The following is an entry in ClinVar:

ClinVar aggregate classification (germline): Uncertain significance (1 of 4 stars; one submission).

gnomAD v4.1: 1 of 1,614,116 alleles (0.000062%); highest among the groups gnomAD compares: East Asian, 0.0022%; no homozygotes.

Submission:

Labcorp Genetics (formerly Invitae), Labcorp
Classification: Uncertain significance. Last evaluated: 2022-06-22. Review status: criteria provided, single submitter. Criteria: Invitae Variant Classification Sherloc (09022015). Collection method: clinical testing. Allele origin: germline.
Comment: In summary, the available evidence is currently insufficient to determine the role of this variant in disease. Therefore, it has been classified as a Variant of Uncertain Significance. Advanced modeling of protein sequence and biophysical properties (such as structural, functional, and spatial information, amino acid conservation, physicochemical variation, residue mobility, and thermodynamic stability) performed at Invitae indicates that this missense variant is not expected to disrupt GANAB protein function. This variant has not been reported in the literature in individuals affected with GANAB-related conditions. This variant is not present in population databases (gnomAD no frequency). This sequence change replaces glycine, which is neutral and non-polar, with glutamic acid, which is acidic and polar, at codon 174 of the GANAB protein (p.Gly174Glu).

NM_198334.3(GANAB):c.521G>A (p.Gly174Glu)

Gene: GANAB (glucosidase II alpha subunit; minus strand). Cytogenetic location: 11q12.3.
Variant type: single nucleotide variant.
Coding change: c.521G>A on transcript NM_198334.3 (MANE Select); coding-DNA position 521, G replaced by A.
Protein change: p.Gly174Glu; replaces glycine 174 with glutamic acid.
Molecular consequence: missense variant. On other transcripts: 5 prime UTR variant (2).
Genome position (GRCh38, 1-based): chr11:62,634,860, C>T on the plus strand (G>A on the coding strand, the complement: GANAB is on the minus strand). VCF-style: chr11-62634860-C-T. GRCh37 (hg19) VCF-style: chr11-62402332-C-T.
Other names: c.179G>A, p.Gly60Glu (NM_001278192.2, NM_001278193.2); c.230G>A, p.Gly77Glu (NM_001278194.2, NM_001329222.2, NM_001329223.2); c.-256G>A (NM_001329224.2, NM_001329225.2); c.521G>A, p.Gly174Glu (NM_198335.4); short protein forms G174E, G60E, G77E.
Identifiers: ClinVar variation 2009334 (VCV002009334.4), dbSNP rs2496374864, ClinGen allele CA380995798.